The following is an entry in ClinVar:

ClinVar aggregate classification (germline): Uncertain significance (1 of 4 stars; one submission).

gnomAD v4.1: 9 of 1,614,166 alleles (0.00056%); highest among the groups gnomAD compares: South Asian, 0.0011%; no homozygotes.

Submission:

Ambry Genetics
Classification: Uncertain significance. Last evaluated: 2024-10-28. Review status: criteria provided, single submitter. Criteria: Ambry Variant Classification Scheme 2023. Collection method: clinical testing. Allele origin: germline.
Comment: The p.A111T variant (also known as c.331G>A), located in coding exon 4 of the BUB1 gene, results from a G to A substitution at nucleotide position 331. The alanine at codon 111 is replaced by threonine, an amino acid with similar properties. This amino acid position is conserved. In addition, this alteration is predicted to be tolerated by in silico analysis. Based on the available evidence, the clinical significance of this variant remains unclear.

NM_004336.5(BUB1):c.331G>A (p.Ala111Thr)

Gene: BUB1 (BUB1 mitotic checkpoint serine/threonine kinase; minus strand). Cytogenetic location: 2q13.
Variant type: single nucleotide variant.
Coding change: c.331G>A on transcript NM_004336.5 (MANE Select); coding-DNA position 331, G replaced by A.
Protein change: p.Ala111Thr; replaces alanine 111 with threonine.
Molecular consequence: missense variant.
Genome position (GRCh38, 1-based): chr2:110,672,752, C>T on the plus strand (G>A on the coding strand, the complement: BUB1 is on the minus strand). VCF-style: chr2-110672752-C-T. GRCh37 (hg19) VCF-style: chr2-111430329-C-T.
Other names: c.271G>A, p.Ala91Thr (NM_001278616.2); c.331G>A, p.Ala111Thr (NM_001278617.2); short protein forms A111T, A91T.
Identifiers: ClinVar variation 3483091 (VCV003483091.1).